The following is an entry in ClinVar:

NM_001242896.3(DEPDC5):c.2000C>T (p.Ala667Val)

Gene: DEPDC5 (DEP domain containing 5, GATOR1 subcomplex subunit; plus strand). Cytogenetic location: 22q12.3.
Variant type: single nucleotide variant.
Coding change: c.2000C>T on transcript NM_001242896.3 (MANE Select); coding-DNA position 2000, C replaced by T.
Protein change: p.Ala667Val; replaces alanine 667 with valine.
Molecular consequence: missense variant. On other transcripts: non-coding transcript variant (4), intron variant (3).
Genome position (GRCh38, 1-based): chr22:31,821,631, C>T. VCF-style: chr22-31821631-C-T. GRCh37 (hg19) VCF-style: chr22-32217617-C-T.
Other names: c.2000C>T, p.Ala667Val (NM_001136029.4, NM_001363852.2, NM_001364318.2 and 3 more transcripts); c.1916C>T, p.Ala639Val (NM_001369901.1, NM_001369902.1); c.1870+2406C>T (NM_001363854.2, NM_001242897.2, NM_001364319.2); short protein forms A639V, A667V.
Identifiers: ClinVar variation 2504349 (VCV002504349.2), dbSNP rs2519450337, ClinGen allele CA411282178.

ClinVar aggregate classification (germline): Uncertain significance. Review status: criteria provided, multiple submitters, no conflicts (2 of 4 stars). 2 submissions from 2 submitters: Uncertain significance (2). Last evaluated 2025-10-18.

Conditions:
Familial focal epilepsy with variable foci (FPEVF). Identifiers: Orphanet 98820, MedGen C1858477, MONDO:0020310.

Allele frequency attached by ClinVar (database versions not stated): gnomAD exomes below 0.00001.

Submissions (2):

Labcorp Genetics (formerly Invitae), Labcorp
Classification: Uncertain significance for Familial focal epilepsy with variable foci. Last evaluated: 2025-10-18. Review status: criteria provided, single submitter. Criteria: Invitae Variant Classification Sherloc (09022015). Collection method: clinical testing. Allele origin: germline.
Comment: This sequence change replaces alanine, which is neutral and non-polar, with valine, which is neutral and non-polar, at codon 667 of the DEPDC5 protein (p.Ala667Val). This variant is not present in population databases (gnomAD no frequency). This variant has not been reported in the literature in individuals affected with DEPDC5-related conditions. ClinVar contains an entry for this variant (Variation ID: 2504349). Experimental studies and prediction algorithms are not available or were not evaluated, and the functional significance of this variant is currently unknown. In summary, the available evidence is currently insufficient to determine the role of this variant in disease. Therefore, it has been classified as a Variant of Uncertain Significance.

GeneDx
Classification: Uncertain significance. Last evaluated: 2022-12-03. Review status: criteria provided, single submitter. Criteria: GeneDx Variant Classification Process June 2021. Collection method: clinical testing. Allele origin: germline. Affected: yes.
Comment: Not observed at significant frequency in large population cohorts (gnomAD); In silico analysis supports that this missense variant does not alter protein structure/function; Has not been previously published as pathogenic or benign to our knowledge